The following is an entry in ClinVar:

NM_017780.4(CHD7):c.3757_3778+7del

Gene: CHD7 (chromodomain helicase DNA binding protein 7; plus strand). Cytogenetic location: 8q12.2.
Variant type: Deletion.
Coding change: c.3757_3778+7del on transcript NM_017780.4 (MANE Select); coding-DNA position 3757 through 7 bases into the intron after coding-DNA position 3778, 29 bases deleted (AATCATCCGTACCTTATCAATGGTAAGGC).
Molecular consequence: splice donor variant. On other transcripts: intron variant (1).
Genome position (GRCh38, 1-based): chr8:60,830,556-60,830,584, AATCATCCGTACCTTATCAATGGTAAGGC deleted; deleting any 29 consecutive bases within chr8:60,830,554-60,830,584 gives the same sequence; the c. name uses the placement nearest the transcript's 3' end. VCF-style (leftmost placement, unchanged base first): chr8-60830553-TGCAATCATCCGTACCTTATCAATGGTAAG-T. GRCh37 (hg19) VCF-style: chr8-61743112-TGCAATCATCCGTACCTTATCAATGGTAAG-T.
Other names: c.1717-31673_1717-31645del (NM_001316690.1); c.3755_3778+5delGCAATCATCCGTACCTTATCAATGGTAAG (NM_017780.4).
Identifiers: ClinVar variation 2498210 (VCV002498210.2), dbSNP rs2487855072, ClinGen allele CA2580078438.

ClinVar aggregate classification (germline): Likely pathogenic (1 of 4 stars; one submission).

Conditions:
CHARGE syndrome (CHARGE). Also called: Hittner Hirsch Kreh syndrome; CHARGE ASSOCIATION--COLOBOMA, HEART ANOMALY, CHOANAL ATRESIA, RETARDATION, GENITAL AND EAR ANOMALIES; Coloboma, heart anomaly, choanal atresia, retardation, genital and ear anomalies; CHARGE association; Hall-Hittner syndrome. Identifiers: Orphanet 138, MedGen C0265354, MONDO:0008965.

Submission:

Lifecell International Pvt. Ltd
Classification: Likely pathogenic for CHD7-related CHARGE syndrome. Review status: criteria provided, single submitter. Criteria: ACMG Guidelines, 2015. Collection method: clinical testing. Allele origin: germline. Inheritance: Autosomal dominant inheritance. Affected: yes. Observed: 1 heterozygote.
Comment: "A Heterozygous inframe indel, variant c.3755_3778+5delGCAATCATCCGTACCTTATCAATGGTAAG in Exon 15 of the CHD7 gene that results in the amino acid substitution p.Asn1253_Gly1260del was identified. CHD7 is in the SNF-2 related domain. The observed variant has a minor allele frequency of 0.00% in gnomAD exomes and genomes, respectively. The severity of the impact of this variant on the protein is high, based on the effect of the protein and REVEL score. Rare Exome Variant Ensemble Learner (REVEL) is an ensembl method for predicting the pathogenicity of missense variants based on a combination of scores from 13 individual tools: MutPred, FATHMM v2.3, VEST 3.0, PolyPhen-2, SIFT, PROVEAN, MutationAssessor, MutationTaster, LRT, GERP++, SiPhy, phyloP, and phastCons. The REVEL score for an individual missense variant can range from 0 to 1, with higher scores reflecting greater likelihood that the variant is disease-causing. Patients with similar phenotypes have shown mutations in the CHD7 gene and were diagnosed with CHARGE syndrome (Lalani, Seema R et al., 2006; Chen, Xiang et al., 2019). Based on the above evidence this variant has been classified as Likely pathogenic according to the ACMG guidelines."

Literature cited by the submitters: PubMed 16400610; PubMed 31146700.